The following is an entry in ClinVar:

ClinVar aggregate classification (germline): Pathogenic/Likely pathogenic. Review status: criteria provided, multiple submitters, no conflicts (2 of 4 stars). 2 submissions from 2 submitters: Pathogenic (1); Likely pathogenic (1). Last evaluated 2019-08-21.

Conditions:
Wieacker-Wolff syndrome. Also called: CONTRACTURES OF FEET, MUSCLE ATROPHY, AND OCULOMOTOR APRAXIA; Intellectual disability-developmental delay-contractures syndrome; MENTAL RETARDATION, X-LINKED, SYNDROMIC 4; MENTAL RETARDATION, X-LINKED, WITH CONGENITAL CONTRACTURES AND LOW FINGERTIP ARCHES; Wieacker-Wolff, X-linked recessive; APRAXIA, OCULOMOTOR, WITH CONGENITAL CONTRACTURES AND MUSCLE ATROPHY. Identifiers: Orphanet 3454, Orphanet 85283, MedGen C0796200, MONDO:0010758, OMIM 314580.

Submissions (3):

GeneDx
Classification: Likely pathogenic. Last evaluated: 2019-08-21. Review status: criteria provided, single submitter. Criteria: GeneDx Variant Classification (06012015). Collection method: clinical testing. Allele origin: germline. Affected: yes.
Comment: Nonsense variant predicted to result in protein truncation or nonsense mediated decay in a gene for which loss-of-function is a known mechanism of disease; Not observed in large population cohorts (Lek et al., 2016); Has not been previously published as pathogenic or benign to our knowledge

Mayo Clinic Laboratories, Mayo Clinic
Classification: Pathogenic for Wieacker-Wolff syndrome. Last evaluated: 2018-01-12. Review status: criteria provided, single submitter. Criteria: ACMG Guidelines, 2015. Collection method: clinical testing. Allele origin: de novo.

Dr. Peter K. Rogan Lab, Western University
No classification provided (evidence only). Condition: Thyroid cancer, nonmedullary, 1. Review status: no classification provided. Collection method: in vitro. Allele origin: not applicable. Functional consequence: retained intron. Not counted in ClinVar's aggregate classification.

NM_018684.4(ZC4H2):c.427C>T (p.Gln143Ter)

Gene: ZC4H2 (zinc finger C4H2-type containing; minus strand). Cytogenetic location: Xq11.2.
Variant type: single nucleotide variant.
Coding change: c.427C>T on transcript NM_018684.4 (MANE Select); coding-DNA position 427, C replaced by T.
Protein change: p.Gln143Ter; replaces glutamine 143 with a stop codon.
Molecular consequence: nonsense. On other transcripts: non-coding transcript variant (1), intron variant (1).
Genome position (GRCh38, 1-based): chrX:64,919,176, G>A on the plus strand (C>T on the coding strand, the complement: ZC4H2 is on the minus strand). VCF-style: chrX-64919176-G-A. GRCh37 (hg19) VCF-style: chrX-64139056-G-A.
Other names: NC_000023.10:g.64139056G>A; c.358C>T, p.Gln120Ter (NM_001178032.3, NM_001243804.2); c.398+905C>T (NM_001178033.3); short protein forms Q143*, Q120*.
Identifiers: ClinVar variation 548020 (VCV000548020.7), dbSNP rs1260869746, ClinGen allele CA413411594.